The following is an entry in ClinVar:

NM_001378120.1(MBD5):c.1232C>T (p.Thr411Ile)

Gene: MBD5 (methyl-CpG binding domain protein 5; plus strand). Cytogenetic location: 2q23.1.
Variant type: single nucleotide variant.
Coding change: c.1232C>T on transcript NM_001378120.1 (MANE Select); coding-DNA position 1232, C replaced by T.
Protein change: p.Thr411Ile; replaces threonine 411 with isoleucine.
Molecular consequence: missense variant.
Genome position (GRCh38, 1-based): chr2:148,469,175, C>T. VCF-style: chr2-148469175-C-T. GRCh37 (hg19) VCF-style: chr2-149226744-C-T.
Other names: p.T411I:ACT>ATT; c.1232C>T, p.Thr411Ile (NM_018328.5); short protein forms T411I.
Identifiers: ClinVar variation 206069 (VCV000206069.28), dbSNP rs535000990, ClinGen allele CA315794.
Genomic context (GRCh38, chr2:148,469,175, plus strand): 5'-TGATGAATGTAAGCATGCCTCCTGCTGTTGTTCCTTTGCCAAGTAATCTCCCATTGCCAA[C>T]TGTAAAACCTGGTCACATGAATCATGGGAGTCATGTACAAAGAGTTCAGCATTCAGCTTC-3'
Protein context (NP_001365049.1, residues 401-421): VPLPSNLPLP[Thr411Ile]VKPGHMNHGS

ClinVar aggregate classification (germline): Conflicting classifications of pathogenicity. Review status: criteria provided, conflicting classifications (1 of 4 stars). 4 submissions from 4 submitters: Uncertain significance (1); Likely benign (3). Last evaluated 2026-01-28.

Conditions:
Intellectual developmental disorder, autosomal dominant 1. Also called: Intellectual disability, autosomal dominant 1; MBD5 Haploinsufficiency. Identifiers: Orphanet 228402, MedGen C1969562, MONDO:0007974, OMIM 156200.

Allele frequency attached by ClinVar (database versions not stated): gnomAD 0.00001 and 0.00011; TOPMed 0.00003; gnomAD exomes 0.00013 and 0.00025; ExAC 0.00028; 1000 Genomes Project 30x 0.00094; 1000 Genomes Project 0.00100.
gnomAD v4.1: 205 of 1,614,064 alleles (0.013%); highest among the groups gnomAD compares: South Asian, 0.21%; 3 homozygotes.

Submissions (4):

Labcorp Genetics (formerly Invitae), Labcorp
Classification: Likely benign for Intellectual developmental disorder, autosomal dominant 1. Last evaluated: 2026-01-28. Review status: criteria provided, single submitter. Criteria: Invitae Variant Classification Sherloc (09022015). Collection method: clinical testing. Allele origin: germline.

Blueprint Genetics
Classification: Likely benign. Last evaluated: 2024-11-25. Review status: criteria provided, single submitter. Criteria: ACMG Guidelines, 2015. Collection method: clinical testing. Allele origin: germline.

CeGaT Center for Human Genetics Tuebingen
Classification: Likely benign. Last evaluated: 2024-08-01. Review status: criteria provided, single submitter. Criteria: CeGaT Center For Human Genetics Tuebingen Variant Classification Criteria Version 2. Collection method: clinical testing. Allele origin: germline. Affected: yes. Observed: 1 variant allele.
Comment: MBD5: BS1

GeneDx
Classification: Uncertain significance. Last evaluated: 2015-11-18. Review status: criteria provided, single submitter. Criteria: GeneDx Variant Classification (06012015). Collection method: clinical testing. Allele origin: germline. Affected: yes.
Comment: p.Thr411Ile (ACT>ATT): c.1232 C>T in exon 9 in the MBD5 gene (NM_018328.4).The T411I variant in the MBD5 gene has not been published as a mutation, nor has it been reported as a benign polymorphism to our knowledge. The T411I variant was not observed in approximately 6500 individuals of European and African American ancestry in the NHLBI Exome Sequencing Project, indicating it is not a common benign variant in these populations. The T411I variant is a non-conservative amino acid substitution, which is likely to impact secondary protein structure as these residues differ in polarity, charge, size and/or other properties. This substitution occurs at a position that is conserved across species. In silico analysis predicts this variant is probably damaging to the protein structure/function. We interpret T411I as a variant of uncertain significance. The variant is found in EPILEPSY panel(s).